The following is an entry in ClinVar:

ClinVar aggregate classification (germline): Uncertain significance (1 of 4 stars; one submission).

Allele frequency attached by ClinVar (database versions not stated): gnomAD exomes below 0.00001; ExAC 0.00001.
gnomAD v4.1: 1 of 1,612,482 alleles (0.000062%); highest among the groups gnomAD compares: South Asian, 0.0011%; no homozygotes.

Submission:

Labcorp Genetics (formerly Invitae), Labcorp
Classification: Uncertain significance. Last evaluated: 2020-02-14. Review status: criteria provided, single submitter. Criteria: Invitae Variant Classification Sherloc (09022015). Collection method: clinical testing. Allele origin: germline.
Comment: In summary, the available evidence is currently insufficient to determine the role of this variant in disease. Therefore, it has been classified as a Variant of Uncertain Significance. Algorithms developed to predict the effect of missense changes on protein structure and function output the following: SIFT: "Tolerated"; PolyPhen-2: "Possibly Damaging"; Align-GVGD: "Class C0". The aspartic acid amino acid residue is found in multiple mammalian species, suggesting that this missense change does not adversely affect protein function. These predictions have not been confirmed by published functional studies and their clinical significance is uncertain. This variant has not been reported in the literature in individuals with SZT2-related conditions. This variant is present in population databases (rs779828506, ExAC 0.006%). This sequence change replaces glutamic acid with aspartic acid at codon 2742 of the SZT2 protein (p.Glu2742Asp). The glutamic acid residue is highly conserved and there is a small physicochemical difference between glutamic acid and aspartic acid.

NM_001365999.1(SZT2):c.8397G>C (p.Glu2799Asp)

Gene: SZT2 (SZT2 subunit of KICSTOR complex; plus strand). Cytogenetic location: 1p34.2.
Variant type: single nucleotide variant.
Coding change: c.8397G>C on transcript NM_001365999.1 (MANE Select); coding-DNA position 8397, G replaced by C.
Protein change: p.Glu2799Asp; replaces glutamic acid 2799 with aspartic acid.
Molecular consequence: missense variant.
Genome position (GRCh38, 1-based): chr1:43,443,064, G>C. VCF-style: chr1-43443064-G-C. GRCh37 (hg19) VCF-style: chr1-43908735-G-C.
Other names: c.8226G>C, p.Glu2742Asp (NM_015284.4); short protein forms E2742D, E2799D.
Identifiers: ClinVar variation 1019270 (VCV001019270.9), dbSNP rs779828506, ClinGen allele CA810524.